The following is an entry in ClinVar:

ClinVar aggregate classification (germline): Uncertain significance. Review status: criteria provided, multiple submitters, no conflicts (2 of 4 stars). 6 submissions from 6 submitters: Uncertain significance (6). Last evaluated 2026-09-30.

Conditions:
Woodhouse-Sakati syndrome. Also called: EXTRAPYRAMIDAL DISORDER, PROGRESSIVE, WITH PRIMARY HYPOGONADISM, MENTAL RETARDATION, AND ALOPECIA; Hypogonadism, diabetes mellitus, alopecia, mental retardation and electrocardiographic abnormalities; Hypogonadism, Alopecia, Diabetes Mellitus, Mental Retardation, and Extrapyramidal Syndrome. Identifiers: Orphanet 3464, MedGen C0342286, MONDO:0009419, OMIM 241080.
DCAF17-related disorder. Also called: DCAF17-related condition.
Inborn genetic diseases. Identifiers: MedGen C0950123, MeSH D030342.

Allele frequency attached by ClinVar (database versions not stated): ESP Exome Variant Server 0.00015; ExAC 0.00031; gnomAD 0.00036 and 0.00039; TOPMed 0.00043; 1000 Genomes Project 30x 0.00016; 1000 Genomes Project 0.00020; gnomAD exomes 0.00029 and 0.00091.
gnomAD v4.1: 1,357 of 1,613,690 alleles (0.084%); highest among the groups gnomAD compares: Non-Finnish European, 0.11%; 3 homozygotes.

Submissions (6):

GeneDx
Classification: Uncertain significance. Last evaluated: 2026-09-30. Review status: criteria provided, single submitter. Criteria: GeneDx Variant Classification Process June 2021. Collection method: clinical testing. Allele origin: germline.
Comment: In silico analysis suggests that this missense variant does not alter protein structure/function; Has not been previously published as pathogenic or benign to our knowledge

PreventionGenetics, part of Exact Sciences
Classification: Uncertain significance for DCAF17-related condition. Last evaluated: 2026-03-11. Review status: criteria provided, single submitter. Criteria: ACMG Guidelines, 2015. Collection method: clinical testing. Allele origin: germline.
Comment: The DCAF17 c.1426T>C variant is predicted to result in the amino acid substitution p.Tyr476His. To our knowledge, this variant has not been reported in the literature. This variant is reported in 0.053% of alleles in individuals of European (Non-Finnish) descent in gnomAD. Although we suspect that this variant may be benign, at this time, the clinical significance of this variant is uncertain due to the absence of conclusive functional and genetic evidence.

Blueprint Genetics
Classification: Uncertain significance. Last evaluated: 2024-10-17. Review status: criteria provided, single submitter. Criteria: ACMG Guidelines, 2015. Collection method: clinical testing. Allele origin: germline.

Labcorp Genetics (formerly Invitae), Labcorp
Classification: Uncertain significance for Woodhouse-Sakati syndrome. Last evaluated: 2022-10-08. Review status: criteria provided, single submitter. Criteria: Invitae Variant Classification Sherloc (09022015). Collection method: clinical testing. Allele origin: germline.
Comment: This sequence change replaces tyrosine, which is neutral and polar, with histidine, which is basic and polar, at codon 476 of the DCAF17 protein (p.Tyr476His). This variant is present in population databases (rs142735693, gnomAD 0.05%). This variant has not been reported in the literature in individuals affected with DCAF17-related conditions. ClinVar contains an entry for this variant (Variation ID: 332272). Advanced modeling of protein sequence and biophysical properties (such as structural, functional, and spatial information, amino acid conservation, physicochemical variation, residue mobility, and thermodynamic stability) performed at Invitae indicates that this missense variant is not expected to disrupt DCAF17 protein function. In summary, the available evidence is currently insufficient to determine the role of this variant in disease. Therefore, it has been classified as a Variant of Uncertain Significance.

Ambry Genetics
Classification: Uncertain significance for Inborn genetic diseases. Last evaluated: 2020-11-18. Review status: criteria provided, single submitter. Criteria: Ambry Variant Classification Scheme 2023. Collection method: clinical testing. Allele origin: germline.
Comment: The c.1426T>C (p.Y476H) alteration is located in exon 14 (coding exon 14) of the DCAF17 gene. This alteration results from a T to C substitution at nucleotide position 1426, causing the tyrosine (Y) at amino acid position 476 to be replaced by a histidine (H). Based on data from the Genome Aggregation Database (gnomAD) database, the DCAF17 c.1426T>C alteration was observed in 0.03% (81/282588) of total alleles studied, with a frequency of 0.05% (69/128978) in the European (non-Finnish) subpopulation. This amino acid position is well conserved in available vertebrate species. The p.Y476H alteration is predicted to be tolerated by in silico analysis. Based on insufficient or conflicting evidence, the clinical significance of this alteration remains unclear.

Illumina Laboratory Services, Illumina
Classification: Uncertain significance for Woodhouse-Sakati syndrome. Last evaluated: 2018-01-12. Review status: criteria provided, single submitter. Criteria: ICSL Variant Classification Criteria 13 December 2019. Collection method: clinical testing. Allele origin: germline.

NM_025000.4(DCAF17):c.1426T>C (p.Tyr476His)

Gene: DCAF17 (DDB1 and CUL4 associated factor 17; plus strand). Cytogenetic location: 2q31.1.
Variant type: single nucleotide variant.
Coding change: c.1426T>C on transcript NM_025000.4 (MANE Select); coding-DNA position 1426, T replaced by C.
Protein change: p.Tyr476His; replaces tyrosine 476 with histidine.
Molecular consequence: missense variant. On other transcripts: non-coding transcript variant (1).
Genome position (GRCh38, 1-based): chr2:171,480,977, T>C. VCF-style: chr2-171480977-T-C. GRCh37 (hg19) VCF-style: chr2-172337487-T-C.
Other names: c.1225T>C, p.Tyr409His (NM_001164821.2); short protein forms Y476H, Y409H.
Identifiers: ClinVar variation 332272 (VCV000332272.12), dbSNP rs142735693, ClinGen allele CA1964980.
Genomic context (GRCh38, chr2:171,480,977, plus strand): 5'-CACAGTAGTGAATATGGCTGTGTGAAAAGGACTCCATATGATTGTGTTTTGTTACAGACA[T>C]ATAGCCATGAAGTCTACTTTGACAGAGACTTGGTGCTACACATAGAGCAGAAACCCAACA-3'
Protein context (NP_079276.2, residues 466-486): IPLVESWDVT[Tyr476His]SHEVYFDRDL